The following is an entry in ClinVar:

NM_001267550.2(TTN):c.101536A>G (p.Met33846Val)

Genes: TTN-AS1 (TTN antisense RNA 1; plus strand), TTN (titin; minus strand). Cytogenetic location: 2q31.2.
Variant type: single nucleotide variant.
Coding change: c.101536A>G on transcript NM_001267550.2 (MANE Select); coding-DNA position 101536, A replaced by G.
Protein change: p.Met33846Val; replaces methionine 33846 with valine.
Molecular consequence: missense variant.
Genome position (GRCh38, 1-based): chr2:178,535,079, T>C on the plus strand (A>G on the coding strand, the complement: TTN is on the minus strand). VCF-style: chr2-178535079-T-C. GRCh37 (hg19) VCF-style: chr2-179399806-T-C.
Other names: c.101536A>G (NM_001267550.1); c.96613A>G, p.Met32205Val (NM_001256850.1); c.74341A>G, p.Met24781Val (NM_003319.4); c.93832A>G, p.Met31278Val (NM_133378.4); c.74716A>G, p.Met24906Val (NM_133432.3); c.74917A>G, p.Met24973Val (NM_133437.4); short protein forms M24781V, M24906V, M24973V, M31278V, M32205V, M33846V.
Identifiers: ClinVar variation 1003675 (VCV001003675.12), dbSNP rs565546848, ClinGen allele CA1985867.

ClinVar aggregate classification (germline): Uncertain significance. Review status: criteria provided, multiple submitters, no conflicts (2 of 4 stars). 3 submissions from 3 submitters: Uncertain significance (3). Last evaluated 2025-12-21.

Conditions:
Dilated cardiomyopathy 1G (CMD1G). Identifiers: Orphanet 154, MedGen C1858763, MONDO:0011400, OMIM 604145.
Autosomal recessive limb-girdle muscular dystrophy type 2J (LGMDR10). Also called: Limb-girdle muscular dystrophy, type 2J; MUSCULAR DYSTROPHY, LIMB-GIRDLE, AUTOSOMAL RECESSIVE 10. Identifiers: Orphanet 140922, MedGen C1837342, MONDO:0012127, OMIM 608807.
Cardiovascular phenotype. Identifiers: MedGen CN230736.

Allele frequency attached by ClinVar (database versions not stated): gnomAD exomes 0.00001; ExAC 0.00002; gnomAD 0.00002 and 0.00003; TOPMed 0.00003; 1000 Genomes Project 30x 0.00016; 1000 Genomes Project 0.00020.
gnomAD v4.1: 13 of 1,613,922 alleles (0.00081%); highest among the groups gnomAD compares: Admixed American, 0.005%; no homozygotes.

Submissions (3):

Labcorp Genetics (formerly Invitae), Labcorp
Classification: Uncertain significance for Dilated cardiomyopathy 1G; Autosomal recessive limb-girdle muscular dystrophy type 2J. Last evaluated: 2025-12-21. Review status: criteria provided, single submitter. Criteria: Invitae Variant Classification Sherloc (09022015). Collection method: clinical testing. Allele origin: germline.
Comment: This sequence change replaces methionine, which is neutral and non-polar, with valine, which is neutral and non-polar, at codon 33846 of the TTN protein (p.Met33846Val). This variant is present in population databases (rs565546848, gnomAD 0.006%). This variant has not been reported in the literature in individuals affected with TTN-related conditions. ClinVar contains an entry for this variant (Variation ID: 1003675). Experimental studies and prediction algorithms are not available or were not evaluated, and the functional significance of this variant is currently unknown. This variant is located in the M band of TTN (PMID: 25589632). Non-truncating variants in this region may be relevant for neuromuscular disorders, but have not been definitively shown to cause cardiomyopathy (PMID: 23975875). In summary, the available evidence is currently insufficient to determine the role of this variant in disease. Therefore, it has been classified as a Variant of Uncertain Significance.

Athena Diagnostics
Classification: Uncertain significance. Last evaluated: 2024-03-06. Review status: criteria provided, single submitter. Criteria: Athena Diagnostics Criteria. Collection method: clinical testing. Allele origin: unknown.
Comment: Available data are insufficient to determine the clinical significance of the variant at this time. The frequency of this variant in the general population is uninformative in assessment of its pathogenicity. Computational tools disagree on the variant's effect on normal protein function.

Ambry Genetics
Classification: Uncertain significance for Cardiovascular phenotype. Last evaluated: 2020-02-20. Review status: criteria provided, single submitter. Criteria: Ambry Variant Classification Scheme 2023. Collection method: clinical testing. Allele origin: germline.
Comment: The p.M24781V variant (also known as c.74341A>G), located in coding exon 185 of the TTN gene, results from an A to G substitution at nucleotide position 74341. The methionine at codon 24781 is replaced by valine, an amino acid with highly similar properties. This amino acid position is well conserved in available vertebrate species. In addition, this alteration is predicted to be tolerated by in silico analysis. Since supporting evidence is limited at this time, the clinical significance of this alteration remains unclear.

Literature cited by the submitters: PubMed 25589632 (cited by Labcorp Genetics (formerly Invitae), Labcorp); PubMed 23975875 (cited by Labcorp Genetics (formerly Invitae), Labcorp); PubMed 28771489 (cited by Athena Diagnostics).